The following is an entry in ClinVar:

NC_000002.11:g.(?_109367964)_(109579739_?)dup

Genes: RANBP2 (RAN binding protein 2; plus strand), CCDC138 (coiled-coil domain containing 138; plus strand), EDAR (ectodysplasin A receptor; minus strand), LOC126806303 (BRD4-independent group 4 enhancer GRCh37_chr2:109573418-109574617; plus strand), LOC129388897 (MPRA-validated peak3811 silencer; plus strand) and 2 more. Cytogenetic location: 2q13.
Variant type: Duplication.
Identifiers: ClinVar variation 657900 (VCV000657900.1).

ClinVar aggregate classification (germline): Uncertain significance (1 of 4 stars; one submission).

Conditions:
Ectodermal dysplasia 10B, hypohidrotic/hair/tooth type, autosomal recessive. Also called: Ectodermal dysplasia 10B, hypohidrotic/hair/tooth type, autosomal; Ectodermal Dysplasia, Hypohidrotic, Autosomal Recessive. Identifiers: Orphanet 238468, Orphanet 248, MedGen C3887494, MONDO:0009147, OMIM 224900.
Ectodermal dysplasia 10A, hypohidrotic/hair/nail type, autosomal dominant (ECTD10A). Also called: Ectodermal Dysplasia 3, Anhidrotic. Identifiers: Orphanet 1810, Orphanet 238468, MedGen C3888065, MONDO:0007509, OMIM 129490.

Submission:

Labcorp Genetics (formerly Invitae), Labcorp
Classification: Uncertain significance for ECTODERMAL DYSPLASIA ANHIDROTIC 03; Autosomal recessive hypohidrotic ectodermal dysplasia syndrome. Last evaluated: 2018-09-19. Review status: criteria provided, single submitter. Criteria: Invitae Variant Classification Sherloc (09022015). Collection method: clinical testing. Allele origin: germline.
Comment: This variant results in a copy number gain of the genomic region encompassing the full coding sequence of the EDAR gene. The boundaries of this event are unknown as they extend beyond the assayed region for this gene and therefore may encompass additional genes. As the precise location of this event is unknown, it may be in tandem or it may be located elsewhere in the genome. This variant has not been reported in the literature in individuals with a EDAR-related disease. Experimental studies are not available for this variant, and the functional significance of a copy number gain of this gene is currently unknown. In summary, the available evidence is currently insufficient to determine the role of this variant in disease. Therefore, it has been classified as a Variant of Uncertain Significance.